The following is an entry in ClinVar:

ClinVar aggregate classification (germline): Conflicting classifications of pathogenicity. Review status: criteria provided, conflicting classifications (1 of 4 stars). 4 submissions from 4 submitters: Likely pathogenic (3); Uncertain significance (1). Last evaluated 2024-10-08.

Conditions:
Juvenile polyposis syndrome (JPS). Identifiers: Orphanet 2929, MedGen C0345893, MONDO:0017380, OMIM 174900.
Juvenile Polyposis. Identifiers: MedGen CN239474.
Hereditary cancer-predisposing syndrome. Also called: Hereditary Cancer Syndrome; Neoplastic Syndromes, Hereditary; Tumor predisposition; Hereditary neoplastic syndrome. Identifiers: Orphanet 140162, MedGen C0027672, MeSH D009386, MONDO:0015356.

Submissions (4):

Ambry Genetics
Classification: Likely pathogenic for Hereditary cancer-predisposing syndrome. Last evaluated: 2024-10-08. Review status: criteria provided, single submitter. Criteria: Ambry Variant Classification Scheme 2023. Collection method: clinical testing. Allele origin: germline.
Comment: The p.R443H variant (also known as c.1328G>A), located in coding exon 9 of the BMPR1A gene, results from a G to A substitution at nucleotide position 1328. The arginine at codon 443 is replaced by histidine, an amino acid with highly similar properties. This variant has been observed in at least one individual with a personal and/or family history that is consistent with BMPR1A-associated disease (Ambry internal data). This alteration has been identified in an individual with a personal and family history of colorectal cancer (Chubb D et al. J. Clin. Oncol. 2015 Feb; 33(5):426-32). Based on internal structural analysis, R443H is more disruptive to the BMPR1A kinase domain than several other internally pathogenic variants in the same domain (Harikrishnan LS et al. Bioorg Med Chem, 2018 Mar;26:1026-1034; Islam MJ et al. Comput Biol Chem, 2019 Jun;80:31-45). This amino acid position is highly conserved in available vertebrate species. In addition, this alteration is predicted to be deleterious by in silico analysis. This variant is considered to be rare based on population cohorts in the Genome Aggregation Database (gnomAD). Based on the majority of available evidence to date, this variant is likely to be pathogenic.

Labcorp Genetics (formerly Invitae), Labcorp
Classification: Uncertain significance for Juvenile polyposis syndrome. Last evaluated: 2024-06-11. Review status: criteria provided, single submitter. Criteria: Invitae Variant Classification Sherloc (09022015). Collection method: clinical testing. Allele origin: germline.
Comment: This sequence change replaces arginine, which is basic and polar, with histidine, which is basic and polar, at codon 443 of the BMPR1A protein (p.Arg443His). This variant is not present in population databases (gnomAD no frequency). This missense change has been observed in individual(s) with tubulovillous adenomas, congenital heart diseases (PMID: 25559809, 30814609). ClinVar contains an entry for this variant (Variation ID: 231433). Advanced modeling of protein sequence and biophysical properties (such as structural, functional, and spatial information, amino acid conservation, physicochemical variation, residue mobility, and thermodynamic stability) performed at Invitae indicates that this missense variant is expected to disrupt BMPR1A protein function with a positive predictive value of 80%. Experimental studies are conflicting or provide insufficient evidence to determine the effect of this variant on BMPR1A function (PMID: 30814609). In summary, the available evidence is currently insufficient to determine the role of this variant in disease. Therefore, it has been classified as a Variant of Uncertain Significance.

Clinical Genetics Laboratory, Skane University Hospital Lund
Classification: Likely pathogenic. Last evaluated: 2022-05-27. Review status: criteria provided, single submitter. Criteria: ACMG Guidelines, 2015. Collection method: clinical testing. Allele origin: germline. Affected: yes.

Cancer Variant Interpretation Group UK, Institute of Cancer Research, London
Classification: Likely pathogenic for Juvenile Polyposis. Last evaluated: 2019-05-10. Review status: criteria provided, single submitter. Criteria: ACMG Guidelines, 2015. Collection method: clinical testing. Allele origin: germline. Affected: yes. Observed: 2 variant alleles.
Comment: Data included in classification: UK family 1: 2 cases CRC and 2 cases early onset polyposis over 3 generations. Ambry family 1: unaffected proband with multiple FDRs with cancer. 1 family in Insight. 6 families in total (PS4_mod). UK family 1 have 4 affected relatives carrying variant (proband, probands son, probands mother and probands sister). Segregation odds ratio of 1/8 (PP1_sup). Absent from Gnomad (PM2_mod). Predicted deleterious on Align GVGD and MutationTaster. Revel score: 0.916 [0-1] (PP3_sup). Data not included in classification: Gene constraint: Z score of 1.92 for missense changes.

Literature cited by the submitters: PubMed 25559809 (cited by Ambry Genetics and Labcorp Genetics (formerly Invitae), Labcorp); PubMed 29422332 (cited by Ambry Genetics); PubMed 30884445 (cited by Ambry Genetics); PubMed 30814609 (cited by Labcorp Genetics (formerly Invitae), Labcorp).

NM_004329.3(BMPR1A):c.1328G>A (p.Arg443His)

Gene: BMPR1A (bone morphogenetic protein receptor type 1A; plus strand). Cytogenetic location: 10q23.2.
Variant type: single nucleotide variant.
Coding change: c.1328G>A on transcript NM_004329.3 (MANE Select); coding-DNA position 1328, G replaced by A.
Protein change: p.Arg443His; replaces arginine 443 with histidine.
Molecular consequence: missense variant.
Genome position (GRCh38, 1-based): chr10:86,921,681, G>A. VCF-style: chr10-86921681-G-A. GRCh37 (hg19) VCF-style: chr10-88681438-G-A.
Other names: short protein forms R443H.
Identifiers: ClinVar variation 231433 (VCV000231433.17), dbSNP rs876659155, ClinGen allele CA10578895.